The following is an entry in ClinVar:

NM_001844.5(COL2A1):c.1457G>T (p.Gly486Val)

Gene: COL2A1 (collagen type II alpha 1 chain; minus strand). Cytogenetic location: 12q13.11.
Variant type: single nucleotide variant.
Coding change: c.1457G>T on transcript NM_001844.5 (MANE Select); coding-DNA position 1457, G replaced by T.
Protein change: p.Gly486Val; replaces glycine 486 with valine.
Molecular consequence: missense variant.
Genome position (GRCh38, 1-based): chr12:47,986,406, C>A on the plus strand (G>T on the coding strand, the complement: COL2A1 is on the minus strand). VCF-style: chr12-47986406-C-A. GRCh37 (hg19) VCF-style: chr12-48380189-C-A.
Other names: c.1250G>T, p.Gly417Val (NM_033150.3); short protein forms G417V, G486V.
Identifiers: ClinVar variation 3901176 (VCV003901176.1).

ClinVar aggregate classification (germline): Likely pathogenic (1 of 4 stars; one submission).

Conditions:
Spondyloperipheral dysplasia. Also called: SPONDYLOPERIPHERAL DYSPLASIA WITH SHORT ULNA; Spondyloperipheral dysplasia-short ulna syndrome. Identifiers: Orphanet 1856, MedGen C0796173, MONDO:0010078, OMIM 271700.

Submission:

Institute of Human Genetics, University of Leipzig Medical Center
Classification: Likely pathogenic for Spondyloperipheral dysplasia. Last evaluated: 2025-05-06. Review status: criteria provided, single submitter. Criteria: ACMG Guidelines, 2015. Collection method: clinical testing. Allele origin: unknown. Inheritance: Autosomal dominant inheritance. Affected: yes.
Comment: Criteria applied: PM1,PM2,PM5_SUP,PP2,PP3